The following is an entry in ClinVar:

NM_004415.4(DSP):c.8300C>G (p.Thr2767Ser)

Gene: DSP (desmoplakin; plus strand). Cytogenetic location: 6p24.3.
Variant type: single nucleotide variant.
Coding change: c.8300C>G on transcript NM_004415.4 (MANE Select); coding-DNA position 8300, C replaced by G.
Protein change: p.Thr2767Ser; replaces threonine 2767 with serine.
Molecular consequence: missense variant.
Genome position (GRCh38, 1-based): chr6:7,585,562, C>G. VCF-style: chr6-7585562-C-G. GRCh37 (hg19) VCF-style: chr6-7585795-C-G.
Other names: c.6503C>G, p.Thr2168Ser (NM_001008844.3); c.6971C>G, p.Thr2324Ser (NM_001319034.2); short protein forms T2767S, T2168S, T2324S.
Identifiers: ClinVar variation 2140832 (VCV002140832.6), dbSNP rs34884895, ClinGen allele CA362694865.

ClinVar aggregate classification (germline): Uncertain significance. Review status: criteria provided, multiple submitters, no conflicts (2 of 4 stars). 2 submissions from 2 submitters: Uncertain significance (2). Last evaluated 2023-01-26.

Conditions:
Cardiovascular phenotype. Identifiers: MedGen CN230736.
Arrhythmogenic cardiomyopathy with wooly hair and keratoderma. Also called: PALMOPLANTAR KERATODERMA WITH LEFT VENTRICULAR CARDIOMYOPATHY AND WOOLLY HAIR; Dilated cardiomyopathy with woolly hair and keratoderma; Arrhythmogenic cardiomyopathy with woolly hair and keratoderma; Carvajal syndrome. Identifiers: Orphanet 65282, MedGen C1854063, MONDO:0011581, OMIM 605676.
Arrhythmogenic right ventricular dysplasia 8 (ARVD8). Also called: ARRHYTHMOGENIC RIGHT VENTRICULAR DYSPLASIA, FAMILIAL, 8; ARRHYTHMOGENIC RIGHT VENTRICULAR CARDIOMYOPATHY 8; Arrhythmogenic Right Ventricular Dysplasia/Cardiomyopathy 8. Identifiers: MedGen C1843896, MONDO:0011831, OMIM 607450.

gnomAD v4.1: 6 of 1,614,108 alleles (0.00037%); highest among the groups gnomAD compares: African/African-American, 0.0013%; no homozygotes.

Submissions (2):

Ambry Genetics
Classification: Uncertain significance for Cardiovascular phenotype. Last evaluated: 2023-01-26. Review status: criteria provided, single submitter. Criteria: Ambry Variant Classification Scheme 2023. Collection method: clinical testing. Allele origin: germline.
Comment: The p.T2767S variant (also known as c.8300C>G), located in coding exon 24 of the DSP gene, results from a C to G substitution at nucleotide position 8300. The threonine at codon 2767 is replaced by serine, an amino acid with similar properties. This alteration has been reported in a pediatric cardiomyopathy cohort; however, clinical details were limited and additional alterations in other cardiac-related genes were identified (Herkert JC et al. Genet Med, 2018 Nov;20:1374-1386). This amino acid position is not well conserved in available vertebrate species. In addition, this alteration is predicted to be tolerated by in silico analysis. Since supporting evidence is limited at this time, the clinical significance of this alteration remains unclear.

Labcorp Genetics (formerly Invitae), Labcorp
Classification: Uncertain significance for Arrhythmogenic cardiomyopathy with wooly hair and keratoderma; Arrhythmogenic right ventricular dysplasia 8. Last evaluated: 2022-10-19. Review status: criteria provided, single submitter. Criteria: Invitae Variant Classification Sherloc (09022015). Collection method: clinical testing. Allele origin: germline.
Comment: In summary, the available evidence is currently insufficient to determine the role of this variant in disease. Therefore, it has been classified as a Variant of Uncertain Significance. Algorithms developed to predict the effect of missense changes on protein structure and function are either unavailable or do not agree on the potential impact of this missense change (SIFT: "Deleterious"; PolyPhen-2: "Benign"; Align-GVGD: "Class C0"). This variant has not been reported in the literature in individuals affected with DSP-related conditions. This variant is not present in population databases (gnomAD no frequency). This sequence change replaces threonine, which is neutral and polar, with serine, which is neutral and polar, at codon 2767 of the DSP protein (p.Thr2767Ser).

Literature cited by the submitters: PubMed 29517769 (cited by Ambry Genetics).